The following is an entry in ClinVar:

ClinVar aggregate classification (germline): Uncertain significance (1 of 4 stars; one submission).

Conditions:
Werner syndrome (WRN). Identifiers: Orphanet 902, MedGen C0043119, MONDO:0010196, OMIM 277700.

Allele frequency attached by ClinVar (database versions not stated): gnomAD 0.00001; TOPMed 0.00001.
gnomAD v4.1: 3 of 1,612,488 alleles (0.00019%); highest among the groups gnomAD compares: Non-Finnish European, 0.00017%; no homozygotes.

Submission:

Labcorp Genetics (formerly Invitae), Labcorp
Classification: Uncertain significance for Werner syndrome. Last evaluated: 2023-10-04. Review status: criteria provided, single submitter. Criteria: Invitae Variant Classification Sherloc (09022015). Collection method: clinical testing. Allele origin: germline.
Comment: This sequence change falls in intron 16 of the WRN gene. It does not directly change the encoded amino acid sequence of the WRN protein. It affects a nucleotide within the consensus splice site. This variant is present in population databases (no rsID available, gnomAD 0.007%). This variant has not been reported in the literature in individuals affected with WRN-related conditions. ClinVar contains an entry for this variant (Variation ID: 850386). Variants that disrupt the consensus splice site are a relatively common cause of aberrant splicing (PMID: 17576681, 9536098). Algorithms developed to predict the effect of sequence changes on RNA splicing suggest that this variant may disrupt the consensus splice site. In summary, the available evidence is currently insufficient to determine the role of this variant in disease. Therefore, it has been classified as a Variant of Uncertain Significance.

Literature cited by the submitters: PubMed 17576681; PubMed 9536098.

NM_000553.6(WRN):c.1898+3G>C

Gene: WRN (WRN RecQ like helicase; plus strand). Cytogenetic location: 8p12.
Variant type: single nucleotide variant.
Coding change: c.1898+3G>C on transcript NM_000553.6 (MANE Select); 3 bases into the intron after coding-DNA position 1898, G replaced by C.
Molecular consequence: intron variant.
Genome position (GRCh38, 1-based): chr8:31,091,901, G>C. VCF-style: chr8-31091901-G-C. GRCh37 (hg19) VCF-style: chr8-30949417-G-C.
Identifiers: ClinVar variation 850386 (VCV000850386.6), dbSNP rs942177812, ClinGen allele CA174866526.